The following is an entry in ClinVar:

NM_000059.4(BRCA2):c.5278T>A (p.Ser1760Thr)

Gene: BRCA2 (BRCA2 DNA repair associated; plus strand). Cytogenetic location: 13q13.1.
Variant type: single nucleotide variant.
Coding change: c.5278T>A on transcript NM_000059.4 (MANE Select); coding-DNA position 5278, T replaced by A.
Protein change: p.Ser1760Thr; replaces serine 1760 with threonine.
Molecular consequence: missense variant. On other transcripts: non-coding transcript variant (1), intron variant (2).
Genome position (GRCh38, 1-based): chr13:32,339,633, T>A. VCF-style: chr13-32339633-T-A. GRCh37 (hg19) VCF-style: chr13-32913770-T-A.
Other names: c.5278T>A, p.Ser1760Thr (NM_001406719.1, NM_001406720.1, NM_001432077.1); c.1910-4925T>A (NM_001406721.1); c.425-4925T>A (NM_001406722.1); short protein forms S1760T.
Identifiers: ClinVar variation 3482157 (VCV003482157.1).

ClinVar aggregate classification (germline): Uncertain significance (1 of 4 stars; one submission).

Conditions:
Hereditary cancer-predisposing syndrome. Also called: Tumor predisposition; Neoplastic Syndromes, Hereditary; Hereditary Cancer Syndrome; Hereditary neoplastic syndrome. Identifiers: Orphanet 140162, MedGen C0027672, MeSH D009386, MONDO:0015356.

gnomAD v4.1: 2 of 1,612,200 alleles (0.00012%); highest among the groups gnomAD compares: South Asian, 0.0022%; no homozygotes.

Submission:

Ambry Genetics
Classification: Uncertain significance for Hereditary cancer-predisposing syndrome. Last evaluated: 2024-11-14. Review status: criteria provided, single submitter. Criteria: Ambry Variant Classification Scheme 2023. Collection method: clinical testing. Allele origin: germline.
Comment: The p.S1760T variant (also known as c.5278T>A), located in coding exon 10 of the BRCA2 gene, results from a T to A substitution at nucleotide position 5278. The serine at codon 1760 is replaced by threonine, an amino acid with similar properties. This amino acid position is highly conserved in available vertebrate species. In addition, this alteration is predicted to be tolerated by in silico analysis. Based on the available evidence, the clinical significance of this variant remains unclear.